The following is an entry in ClinVar:

NM_000257.4(MYH7):c.3923A>G (p.Tyr1308Cys)

Gene: MYH7 (myosin heavy chain 7; minus strand). Cytogenetic location: 14q11.2.
Variant type: single nucleotide variant.
Coding change: c.3923A>G on transcript NM_000257.4 (MANE Select); coding-DNA position 3923, A replaced by G.
Protein change: p.Tyr1308Cys; replaces tyrosine 1308 with cysteine.
Molecular consequence: missense variant.
Genome position (GRCh38, 1-based): chr14:23,419,226, T>C on the plus strand (A>G on the coding strand, the complement: MYH7 is on the minus strand). VCF-style: chr14-23419226-T-C. GRCh37 (hg19) VCF-style: chr14-23888435-T-C.
Other names: c.3923A>G, p.Tyr1308Cys (NM_001407004.1); short protein forms Y1308C.
Identifiers: ClinVar variation 4801923 (VCV004801923.1).

ClinVar aggregate classification (germline): Uncertain significance (1 of 4 stars; one submission).

Conditions:
Hypertrophic cardiomyopathy. Also called: HYPERTROPHIC MYOCARDIOPATHY. Identifiers: Orphanet 217569, MedGen C0007194, MeSH D002312, MONDO:0005045, HP:0001639.

Submission:

Labcorp Genetics (formerly Invitae), Labcorp
Classification: Uncertain significance for Hypertrophic cardiomyopathy. Last evaluated: 2026-01-27. Review status: criteria provided, single submitter. Criteria: Invitae Variant Classification Sherloc (09022015). Collection method: clinical testing. Allele origin: germline.
Comment: This sequence change replaces tyrosine, which is neutral and polar, with cysteine, which is neutral and slightly polar, at codon 1308 of the MYH7 protein (p.Tyr1308Cys). This variant is not present in population databases (gnomAD no frequency). This variant has not been reported in the literature in individuals affected with MYH7-related conditions. Invitae Evidence Modeling of protein sequence and biophysical properties (such as structural, functional, and spatial information, amino acid conservation, physicochemical variation, residue mobility, and thermodynamic stability) indicates that this missense variant is expected to disrupt MYH7 protein function with a positive predictive value of 95%. In summary, the available evidence is currently insufficient to determine the role of this variant in disease. Therefore, it has been classified as a Variant of Uncertain Significance.